The following is an entry in ClinVar:

NM_000116.5(TAFAZZIN):c.371-6C>A

Gene: TAFAZZIN (tafazzin, phospholipid-lysophospholipid transacylase; plus strand). Cytogenetic location: Xq28.
Variant type: single nucleotide variant.
Coding change: c.371-6C>A on transcript NM_000116.5 (MANE Select); 6 bases into the intron before coding-DNA position 371, C replaced by A.
Molecular consequence: intron variant.
Genome position (GRCh38, 1-based): chrX:154,414,095, C>A. VCF-style: chrX-154414095-C-A. GRCh37 (hg19) VCF-style: chrX-153642432-C-A.
Other names: c.425-6C>A (NM_001303465.2); c.371-6C>A (NM_181312.4, NM_000116.4); c.370+528C>A (NM_181311.4, NM_181313.4).
Identifiers: ClinVar variation 626856 (VCV000626856.17), dbSNP rs782195445, ClinGen allele CA10562334.

ClinVar aggregate classification (germline): Conflicting classifications of pathogenicity. Review status: criteria provided, conflicting classifications (1 of 4 stars). 7 submissions from 7 submitters: Uncertain significance (2); Likely benign (1). 4 of the submissions do not count toward it. Last evaluated 2026-01-24.

Conditions:
Cardiomyopathy (CMYO). Also called: Cardiomyopathies. Identifiers: Orphanet 167848, MedGen C0878544, MONDO:0004994, HP:0001638. Inheritance: Various modes of inheritance.
TAFAZZIN-related disorder. Also called: TAFAZZIN-Related Disorders; TAFAZZIN-related condition.
3-Methylglutaconic aciduria type 2 (BTHS). Also called: CARDIOSKELETAL MYOPATHY WITH NEUTROPENIA AND ABNORMAL MITOCHONDRIA; Barth syndrome. Identifiers: Orphanet 111, MedGen C0574083, MONDO:0010543, OMIM 302060.

Allele frequency attached by ClinVar (database versions not stated): ExAC below 0.00001; gnomAD exomes 0.00001; gnomAD 0.00003 and 0.00004; TOPMed 0.00003.
gnomAD v4.1: 20 of 1,172,806 alleles (0.0017%); highest among the groups gnomAD compares: Non-Finnish European, 0.0021%; no homozygotes.

Submissions (7):

Labcorp Genetics (formerly Invitae), Labcorp
Classification: Likely benign for 3-Methylglutaconic aciduria type 2. Last evaluated: 2026-01-24. Review status: criteria provided, single submitter. Criteria: Invitae Variant Classification Sherloc (09022015). Collection method: clinical testing. Allele origin: germline.

GeneDx
Classification: Uncertain significance. Last evaluated: 2025-02-27. Review status: criteria provided, single submitter. Criteria: GeneDx Variant Classification Process June 2021. Collection method: clinical testing. Allele origin: germline. Affected: yes.
Comment: In silico analysis is inconclusive as to whether the variant alters gene splicing. In the absence of RNA/functional studies, the actual effect of this sequence change is unknown.; Has not been previously published as pathogenic or benign to our knowledge

CHEO Genetics Diagnostic Laboratory, Children's Hospital of Eastern Ontario
Classification: Uncertain significance for Cardiomyopathy. Last evaluated: 2017-07-31. Review status: criteria provided, single submitter. Criteria: ACMG Guidelines, 2015. Collection method: clinical testing. Allele origin: germline. Study: Canadian Open Genetics Repository.

PreventionGenetics, part of Exact Sciences
Classification: Likely benign for TAFAZZIN-related condition. Last evaluated: 2022-12-30. Review status: no assertion criteria provided. Collection method: clinical testing. Allele origin: germline. Not counted in ClinVar's aggregate classification.
Comment: This variant is classified as likely benign based on ACMG/AMP sequence variant interpretation guidelines (Richards et al. 2015 PMID: 25741868, with internal and published modifications).

Clinical Genetics DNA and cytogenetics Diagnostics Lab, Erasmus MC, Erasmus Medical Center
Classification: Likely benign. Review status: no assertion criteria provided. Collection method: clinical testing. Allele origin: germline. Affected: yes. Study: VKGL Data-share Consensus. Not counted in ClinVar's aggregate classification.

Diagnostic Laboratory, Department of Genetics, University Medical Center Groningen
Classification: Likely benign. Review status: no assertion criteria provided. Collection method: clinical testing. Allele origin: germline. Affected: yes. Study: VKGL Data-share Consensus. Not counted in ClinVar's aggregate classification.

Genome Diagnostics Laboratory, University Medical Center Utrecht
Classification: Likely benign. Review status: no assertion criteria provided. Collection method: clinical testing. Allele origin: germline. Affected: yes. Study: VKGL Data-share Consensus. Not counted in ClinVar's aggregate classification.